The following is an entry in ClinVar:

NM_207346.3(TSEN54):c.766G>A (p.Gly256Ser)

Gene: TSEN54 (tRNA splicing endonuclease subunit 54; plus strand). Cytogenetic location: 17q25.1.
Variant type: single nucleotide variant.
Coding change: c.766G>A on transcript NM_207346.3 (MANE Select); coding-DNA position 766, G replaced by A.
Protein change: p.Gly256Ser; replaces glycine 256 with serine.
Molecular consequence: missense variant.
Genome position (GRCh38, 1-based): chr17:75,521,847, G>A. VCF-style: chr17-75521847-G-A. GRCh37 (hg19) VCF-style: chr17-73517928-G-A.
Other names: short protein forms G256S.
Identifiers: ClinVar variation 1181537 (VCV001181537.18), dbSNP rs200015685, ClinGen allele CA8764263.
Genomic context (GRCh38, chr17:75,521,847, plus strand): 5'-CAGCCCAGCCAATGCCCAGAGGAGAAACCCCAGGAGTCAAGCCCCATGAAGGGCCCAGGG[G>A]GCCCCTTTCAGCTTCTGGGGTCCCTGGGCCCCAGCCCTGGCCCGGCCAGGGAGGGGGTGG-3'
Protein context (NP_997229.2, residues 246-266): QESSPMKGPG[Gly256Ser]PFQLLGSLGP

ClinVar aggregate classification (germline): Conflicting classifications of pathogenicity. Review status: criteria provided, conflicting classifications (1 of 4 stars). 5 submissions from 5 submitters: Uncertain significance (3); Likely benign (2). Last evaluated 2026-01-28.

Conditions:
Inborn genetic diseases. Identifiers: MedGen C0950123, MeSH D030342.
Pontocerebellar hypoplasia type 4 (PCH4). Also called: Pontocerebellar Hypoplasia Type 4 (PCH4). Identifiers: Orphanet 166063, MedGen C1856974, MONDO:0009166, OMIM 225753.
Pontocerebellar hypoplasia type 2A (PCH2A). Also called: PONTOCEREBELLAR HYPOPLASIA WITH PROGRESSIVE CEREBRAL ATROPHY; VOLENDAM NEURODEGENERATIVE DISEASE. Identifiers: Orphanet 2524, MedGen C1848526, MONDO:0010190, OMIM 277470.
Pontocerebellar hypoplasia type 5 (PCH5). Also called: Pontocerebellar Hypoplasia Type 5 (PCH5). Identifiers: Orphanet 166068, MedGen C1857762, MONDO:0012438, OMIM 610204.

Allele frequency attached by ClinVar (database versions not stated): 1000 Genomes Project 0.00020; ExAC 0.00028; gnomAD exomes 0.00028 and 0.00038; 1000 Genomes Project 30x 0.00031; TOPMed 0.00037; gnomAD 0.00047 and 0.00049; ESP Exome Variant Server 0.00054.
gnomAD v4.1: 625 of 1,612,398 alleles (0.039%); highest among the groups gnomAD compares: Non-Finnish European, 0.047%; no homozygotes.

Submissions (5):

Labcorp Genetics (formerly Invitae), Labcorp
Classification: Likely benign. Last evaluated: 2026-01-28. Review status: criteria provided, single submitter. Criteria: Invitae Variant Classification Sherloc (09022015). Collection method: clinical testing. Allele origin: germline.

CeGaT Center for Human Genetics Tuebingen
Classification: Likely benign. Last evaluated: 2025-08-01. Review status: criteria provided, single submitter. Criteria: CeGaT Center For Human Genetics Tuebingen Variant Classification Criteria Version 2. Collection method: clinical testing. Allele origin: germline. Affected: yes. Observed: 1 variant allele.
Comment: TSEN54: BP4

GeneDx
Classification: Uncertain significance. Last evaluated: 2022-12-02. Review status: criteria provided, single submitter. Criteria: GeneDx Variant Classification Process June 2021. Collection method: clinical testing. Allele origin: germline. Affected: yes.
Comment: In silico analysis supports that this missense variant does not alter protein structure/function; Has not been previously published as pathogenic or benign to our knowledge

Department of Pathology and Laboratory Medicine, Sinai Health System
Classification: Uncertain significance for Pontocerebellar hypoplasia type 4; Pontocerebellar hypoplasia type 2A; Pontocerebellar hypoplasia type 5. Last evaluated: 2022-05-30. Review status: criteria provided, single submitter. Criteria: ACMG Guidelines, 2015. Collection method: research. Allele origin: germline.

Ambry Genetics
Classification: Uncertain significance for Inborn genetic diseases. Last evaluated: 2021-05-01. Review status: criteria provided, single submitter. Criteria: Ambry Variant Classification Scheme 2023. Collection method: clinical testing. Allele origin: germline.